The following is an entry in ClinVar:

NM_183235.3(RAB27A):c.259G>C (p.Ala87Pro)

Gene: RAB27A (RAB27A, member RAS oncogene family; minus strand). Cytogenetic location: 15q21.3.
Variant type: single nucleotide variant.
Coding change: c.259G>C on transcript NM_183235.3 (MANE Select); coding-DNA position 259, G replaced by C.
Protein change: p.Ala87Pro; replaces alanine 87 with proline.
Molecular consequence: missense variant.
Genome position (GRCh38, 1-based): chr15:55,228,693, C>G on the plus strand (G>C on the coding strand, the complement: RAB27A is on the minus strand). VCF-style: chr15-55228693-C-G. GRCh37 (hg19) VCF-style: chr15-55520891-C-G.
Other names: c.259G>C, p.Ala87Pro (NM_004580.5, NM_183234.3, NM_183236.3); short protein forms A87P.
Identifiers: ClinVar variation 5991 (VCV000005991.22), dbSNP rs104894497, ClinGen allele CA117898.

ClinVar aggregate classification (germline): Conflicting classifications of pathogenicity. Review status: criteria provided, conflicting classifications (1 of 4 stars). 11 submissions from 11 submitters: Pathogenic (3); Likely pathogenic (3); Uncertain significance (1). 4 of the submissions do not count toward it. Last evaluated 2026-06-10.

Conditions:
RAB27A-related disorder. Also called: RAB27A-related condition.
Griscelli syndrome type 2 (GS2). Also called: GRISCELLI SYNDROME WITH HEMOPHAGOCYTIC SYNDROME; PAID SYNDROME; PARTIAL ALBINISM AND IMMUNODEFICIENCY SYNDROME. Identifiers: Orphanet 381, Orphanet 79477, MedGen C1868679, MONDO:0011872, OMIM 607624.

Allele frequency attached by ClinVar (database versions not stated): TOPMed 0.00010.
gnomAD v4.1: 277 of 1,613,508 alleles (0.017%); highest among the groups gnomAD compares: Non-Finnish European, 0.022%; no homozygotes.

Submissions (11):

PreventionGenetics, part of Exact Sciences
Classification: Likely pathogenic for RAB27A-related condition. Last evaluated: 2026-06-10. Review status: criteria provided, single submitter. Criteria: ACMG Guidelines, 2015. Collection method: clinical testing. Allele origin: germline.
Comment: The RAB27A c.259G>C variant is predicted to result in the amino acid substitution p.Ala87Pro. This variant has been reported in the compound heterozygous state in a patient with recessive Griscelli syndrome type 2 (Zur Stadt et al. 2006. PubMed ID: 16278825) and in the heterozygous state in patients with hemophagocytic lymphohistiocytosis (HLH) (Zhang et al. 2016. PubMed ID: 26880764). Functional studies indicate this variant affects specific RAB27A protein interactions and targeting of vesicles at the immunological synapse (Zhang et al. 2016. PubMed ID: 26880764). This variant is reported in 0.023% of alleles in individuals of European (Non-Finnish) descent in gnomAD. This variant is interpreted as likely pathogenic.

Labcorp Genetics (formerly Invitae), Labcorp
Classification: Pathogenic for Griscelli syndrome type 2. Last evaluated: 2026-01-24. Review status: criteria provided, single submitter. Criteria: Invitae Variant Classification Sherloc (09022015). Collection method: clinical testing. Allele origin: germline.
Comment: This sequence change replaces alanine, which is neutral and non-polar, with proline, which is neutral and non-polar, at codon 87 of the RAB27A protein (p.Ala87Pro). This variant is present in population databases (rs104894497, gnomAD 0.02%). This missense change has been observed in individual(s) with familial hemophagocytic lymphohistiocytosis and Griscelli syndrome (PMID: 16278825, 25544030). In at least one individual the data is consistent with being in trans (on the opposite chromosome) from a pathogenic variant. ClinVar contains an entry for this variant (Variation ID: 5991). Invitae Evidence Modeling of protein sequence and biophysical properties (such as structural, functional, and spatial information, amino acid conservation, physicochemical variation, residue mobility, and thermodynamic stability) indicates that this missense variant is expected to disrupt RAB27A protein function with a positive predictive value of 95%. Experimental studies have shown that this missense change affects RAB27A function (PMID: 16278825, 26880764). For these reasons, this variant has been classified as Pathogenic.

Mayo Clinic Laboratories, Mayo Clinic
Classification: Pathogenic. Last evaluated: 2025-10-22. Review status: criteria provided, single submitter. Criteria: ACMG Guidelines, 2015. Collection method: clinical testing. Allele origin: germline. Observed: 1 variant allele.
Comment: PP4, PM3_very_strong, PS3_moderate, PS4_supporting

Dasa
Classification: Likely pathogenic. Last evaluated: 2025-07-22. Review status: criteria provided, single submitter. Criteria: DASA Assertion Criteria. Collection method: clinical testing. Allele origin: germline.
Comment: NM_183235.3(RAB27A):c.259G>C (p.Ala87Pro) is a missense variant that results in the substitution of alanine with proline. This variant has been recurrently observed in individuals with RAB27A-related disorders (PMID: 25544030; PMID: 16278825). Functional evidence supports an impact on the gene or gene product. Also, this variant is rare in population databases. Computational evidence supports a deleterious effect. Based on the currently available evidence, this variant is classified as likely pathogenic.

Revvity Omics, Revvity
Classification: Pathogenic for Griscelli syndrome type 2. Last evaluated: 2025-02-27. Review status: criteria provided, single submitter. Criteria: ACMG Guidelines, 2015. Collection method: clinical testing. Allele origin: germline.

GeneDx
Classification: Likely pathogenic. Last evaluated: 2021-04-05. Review status: criteria provided, single submitter. Criteria: GeneDx Variant Classification Process June 2021. Collection method: clinical testing. Allele origin: germline. Affected: yes.
Comment: Published functional studies demonstrate a damaging effect with decreased binding to Munc13-4 and delayed granzyme B polarization towards the immunologic synapse (Zhang et al., 2016); In silico analysis supports that this missense variant has a deleterious effect on protein structure/function; This variant is associated with the following publications: (PMID: 16278825, 26597256, 26880764, 18350256, 20370853, 25544030, 32638196)

Laboratory for Molecular Medicine, Mass General Brigham Personalized Medicine
Classification: Uncertain significance. Last evaluated: 2014-12-15. Review status: criteria provided, single submitter. Criteria: LMM Criteria. Collection method: clinical testing. Allele origin: germline. Observed: 1 variant allele. Study: CSER-MedSeq.
Comment: The Ala87Pro variant in RAB27A has been identified in one individual with familial hemophagocytic lymphohistiocytosis who also carried a loss-of-function RAB27A variant in trans (Stadt 2006). Functional studies indicate this variant leads to the disruption of RAB27A binding with UNC13D and in decreased cytolytic activity and inhibited granulation (Cron and Zhang 2013, Abstract). In summary, although this data supports that this variant may be pathogenic, additional studies are needed to fully assess its clinical significance.

Zotz-Klimas Genetics Lab, MVZ Zotz Klimas
Classification: Likely pathogenic for Griscelli syndrome type 2. Last evaluated: 2023-10-30. Review status: no assertion criteria provided. Collection method: clinical testing. Allele origin: germline. Affected: yes. Not counted in ClinVar's aggregate classification.

OMIM
Classification: Pathogenic for GRISCELLI SYNDROME, TYPE 2. Last evaluated: 2006-01-01. Review status: no assertion criteria provided. Collection method: literature only. Allele origin: germline. Not counted in ClinVar's aggregate classification.

Clinical Genetics DNA and cytogenetics Diagnostics Lab, Erasmus MC, Erasmus Medical Center
Classification: Likely pathogenic. Review status: no assertion criteria provided. Collection method: clinical testing. Allele origin: germline. Affected: yes. Study: VKGL Data-share Consensus. Not counted in ClinVar's aggregate classification.

Genome Diagnostics Laboratory, Amsterdam University Medical Center
Classification: Likely pathogenic. Review status: no assertion criteria provided. Collection method: clinical testing. Allele origin: germline. Affected: yes. Study: VKGL Data-share Consensus. Not counted in ClinVar's aggregate classification.

Literature cited by the submitters: PubMed 16278825 (cited by 5 submitters); PubMed 25544030 (cited by 3 submitters); PubMed 26880764 (cited by 3 submitters); PubMed 26597256 (cited by Mayo Clinic Laboratories, Mayo Clinic); PubMed 31664448 (cited by Mayo Clinic Laboratories, Mayo Clinic); PubMed 33792483 (cited by Mayo Clinic Laboratories, Mayo Clinic).